The following is an entry in ClinVar:

ClinVar aggregate classification (germline): Uncertain significance. Review status: criteria provided, multiple submitters, no conflicts (2 of 4 stars). 4 submissions from 4 submitters: Uncertain significance (4). Last evaluated 2026-01-05.

Conditions:
Meckel-Gruber syndrome. Also called: DYSENCEPHALIA SPLANCHNOCYSTICA; GRUBER SYNDROME; Dysencephalia splachnocystica. Identifiers: Orphanet 564, MedGen C0265215, MONDO:0018921.
Joubert syndrome. Also called: CEREBELLOPARENCHYMAL DISORDER IV; JOUBERT-BOLTSHAUSER SYNDROME; Familial aplasia of the vermis. Identifiers: Orphanet 475, MedGen C5979921, MONDO:0018772.
COACH syndrome 1. Identifiers: Orphanet 1454, MedGen C5435651, MONDO:0800103, OMIM 216360, MONDO:0008996.
Nephronophthisis 11 (NPHP11). Identifiers: Orphanet 84081, MedGen C3150796, MONDO:0013302, OMIM 613550.
Bardet-Biedl syndrome 14 (BBS14). Identifiers: Orphanet 110, MedGen C2673874, MONDO:0014442, OMIM 615991.
Joubert syndrome 6 (JBTS6). Identifiers: Orphanet 475, MedGen C1853153, MONDO:0012539, OMIM 610688.
RHYNS syndrome. Also called: RETINITIS PIGMENTOSA SYNDROME; RETINITIS PIGMENTOSA, HYPOPITUITARISM, NEPHRONOPHTHISIS, AND MILD SKELETAL DYSPLASIA. Identifiers: Orphanet 140976, MedGen C1865794, MONDO:0011202, OMIM 602152.
Meckel syndrome, type 3 (MKS3). Also called: MECKEL-GRUBER SYNDROME, TYPE 3. Identifiers: Orphanet 564, MedGen C1846357, MONDO:0011821, OMIM 607361.
Inborn genetic diseases. Identifiers: MedGen C0950123, MeSH D030342.

Submissions (4):

Labcorp Genetics (formerly Invitae), Labcorp
Classification: Uncertain significance for Joubert syndrome; Meckel-Gruber syndrome. Last evaluated: 2026-01-05. Review status: criteria provided, single submitter. Criteria: Invitae Variant Classification Sherloc (09022015). Collection method: clinical testing. Allele origin: germline.
Comment: This sequence change replaces cysteine, which is neutral and slightly polar, with serine, which is neutral and polar, at codon 954 of the TMEM67 protein (p.Cys954Ser). This variant is not present in population databases (gnomAD no frequency). This variant has not been reported in the literature in individuals affected with TMEM67-related conditions. ClinVar contains an entry for this variant (Variation ID: 1497636). An algorithm developed to predict the effect of missense changes on protein structure and function outputs the following: PolyPhen-2: "Benign". The serine amino acid residue is found in multiple mammalian species, which suggests that this missense change does not adversely affect protein function. In summary, the available evidence is currently insufficient to determine the role of this variant in disease. Therefore, it has been classified as a Variant of Uncertain Significance.

Ambry Genetics
Classification: Uncertain significance for Inborn genetic diseases. Last evaluated: 2024-09-08. Review status: criteria provided, single submitter. Criteria: Ambry Variant Classification Scheme 2023. Collection method: clinical testing. Allele origin: germline.

Fulgent Genetics
Classification: Uncertain significance for COACH syndrome 1; RHYNS syndrome; Meckel syndrome, type 3; Joubert syndrome 6; Nephronophthisis 11; Bardet-Biedl syndrome 14. Last evaluated: 2024-05-25. Review status: criteria provided, single submitter. Criteria: ACMG Guidelines, 2015. Collection method: clinical testing. Allele origin: germline.

Department of Pathology and Laboratory Medicine, Sinai Health System
Classification: Uncertain significance for COACH syndrome 1; RHYNS syndrome; Meckel syndrome, type 3; Joubert syndrome 6; Nephronophthisis 11; Bardet-Biedl syndrome 14. Last evaluated: 2021-07-30. Review status: criteria provided, single submitter. Criteria: ACMG Guidelines, 2015. Collection method: research. Allele origin: germline.

NM_153704.6(TMEM67):c.2861G>C (p.Cys954Ser)

Gene: TMEM67 (transmembrane protein 67; plus strand). Cytogenetic location: 8q22.1.
Variant type: single nucleotide variant.
Coding change: c.2861G>C on transcript NM_153704.6 (MANE Select); coding-DNA position 2861, G replaced by C.
Protein change: p.Cys954Ser; replaces cysteine 954 with serine.
Molecular consequence: missense variant. On other transcripts: non-coding transcript variant (1).
Genome position (GRCh38, 1-based): chr8:93,815,401, G>C. VCF-style: chr8-93815401-G-C. GRCh37 (hg19) VCF-style: chr8-94827629-G-C.
Other names: c.2861G>C (NM_153704.5); c.2618G>C, p.Cys873Ser (NM_001142301.1); short protein forms C954S, C873S.
Identifiers: ClinVar variation 1497636 (VCV001497636.8), dbSNP rs537935631, ClinGen allele CA371701243.
Genomic context (GRCh38, chr8:93,815,401, plus strand): 5'-GAAATGAAGCTACTCTTCTTATTTTTGATCTGCTGTTCTTCTGTGTTGTGGATTTGGCTT[G>C]CCAAAATTTTATTTTAGCATCCTTCCTTACATATCTACAACAAGAGGTAAACTTTTAAAA-3'
Protein context (NP_714915.3, residues 944-964): LLFFCVVDLA[Cys954Ser]QNFILASFLT